The following is an entry in ClinVar:

ClinVar aggregate classification (germline): Uncertain significance. Review status: criteria provided, multiple submitters, no conflicts (2 of 4 stars). 2 submissions from 2 submitters: Uncertain significance (2). Last evaluated 2025-10-14.

Conditions:
Inborn genetic diseases. Identifiers: MedGen C0950123, MeSH D030342.

Allele frequency attached by ClinVar (database versions not stated): TOPMed 0.00004; gnomAD 0.00003; ExAC 0.00010; gnomAD exomes 0.00005; ESP Exome Variant Server 0.00008.

Submissions (2):

Ambry Genetics
Classification: Uncertain significance for Inborn genetic diseases. Last evaluated: 2025-10-14. Review status: criteria provided, single submitter. Criteria: Ambry Variant Classification Scheme 2023. Collection method: clinical testing. Allele origin: germline.

Labcorp Genetics (formerly Invitae), Labcorp
Classification: Uncertain significance. Last evaluated: 2022-04-01. Review status: criteria provided, single submitter. Criteria: Invitae Variant Classification Sherloc (09022015). Collection method: clinical testing. Allele origin: germline.
Comment: This sequence change replaces arginine, which is basic and polar, with glutamine, which is neutral and polar, at codon 814 of the ACE protein (p.Arg814Gln). This variant is present in population databases (rs375979946, gnomAD 0.06%). This variant has not been reported in the literature in individuals affected with ACE-related conditions. Algorithms developed to predict the effect of missense changes on protein structure and function output the following: SIFT: "Tolerated"; PolyPhen-2: "Benign"; Align-GVGD: "Class C0". The glutamine amino acid residue is found in multiple mammalian species, which suggests that this missense change does not adversely affect protein function. In summary, the available evidence is currently insufficient to determine the role of this variant in disease. Therefore, it has been classified as a Variant of Uncertain Significance.

NM_000789.4(ACE):c.2441G>A (p.Arg814Gln)

Gene: ACE (angiotensin I converting enzyme; plus strand). Cytogenetic location: 17q23.3.
Variant type: single nucleotide variant.
Coding change: c.2441G>A on transcript NM_000789.4 (MANE Select); coding-DNA position 2441, G replaced by A.
Protein change: p.Arg814Gln; replaces arginine 814 with glutamine.
Molecular consequence: missense variant. On other transcripts: non-coding transcript variant (1).
Genome position (GRCh38, 1-based): chr17:63,488,783, G>A. VCF-style: chr17-63488783-G-A. GRCh37 (hg19) VCF-style: chr17-61566144-G-A.
Other names: c.2441G>A (NM_000789.3); c.1589G>A, p.Arg530Gln (NM_001382701.1); c.371G>A, p.Arg124Gln (NM_001382702.1); c.719G>A, p.Arg240Gln (NM_152830.3, NM_001178057.2); c.1874G>A, p.Arg625Gln (NM_001382700.1); short protein forms R240Q, R814Q, R625Q, R124Q, R530Q.
Identifiers: ClinVar variation 1983540 (VCV001983540.4), dbSNP rs375979946, ClinGen allele CA8700095.